The following is an entry in ClinVar:

NM_006019.4(TCIRG1):c.1984C>T (p.Arg662Cys)

Gene: TCIRG1 (T cell immune regulator 1, ATPase H+ transporting V0 subunit a3; plus strand). Cytogenetic location: 11q13.2.
Variant type: single nucleotide variant.
Coding change: c.1984C>T on transcript NM_006019.4 (MANE Select); coding-DNA position 1984, C replaced by T.
Protein change: p.Arg662Cys; replaces arginine 662 with cysteine.
Molecular consequence: missense variant.
Genome position (GRCh38, 1-based): chr11:68,049,759, C>T. VCF-style: chr11-68049759-C-T. GRCh37 (hg19) VCF-style: chr11-67817226-C-T.
Other names: c.1090C>T, p.Arg364Cys (NM_001351059.2); c.1336C>T, p.Arg446Cys (NM_006053.4); c.1984C>T (NM_006019.3); short protein forms R446C, R662C, R364C.
Identifiers: ClinVar variation 1494291 (VCV001494291.6), dbSNP rs1489283351, ClinGen allele CA381588956.

ClinVar aggregate classification (germline): Uncertain significance. Review status: criteria provided, multiple submitters, no conflicts (2 of 4 stars). 2 submissions from 2 submitters: Uncertain significance (2). Last evaluated 2025-01-29.

Conditions:
Inborn genetic diseases. Identifiers: MedGen C0950123, MeSH D030342.

Allele frequency attached by ClinVar (database versions not stated): TOPMed below 0.00001.

Submissions (2):

Labcorp Genetics (formerly Invitae), Labcorp
Classification: Uncertain significance. Last evaluated: 2025-01-29. Review status: criteria provided, single submitter. Criteria: Invitae Variant Classification Sherloc (09022015). Collection method: clinical testing. Allele origin: germline.
Comment: This sequence change replaces arginine, which is basic and polar, with cysteine, which is neutral and slightly polar, at codon 662 of the TCIRG1 protein (p.Arg662Cys). This variant is not present in population databases (gnomAD no frequency). This variant has not been reported in the literature in individuals affected with TCIRG1-related conditions. ClinVar contains an entry for this variant (Variation ID: 1494291). Invitae Evidence Modeling of protein sequence and biophysical properties (such as structural, functional, and spatial information, amino acid conservation, physicochemical variation, residue mobility, and thermodynamic stability) indicates that this missense variant is not expected to disrupt TCIRG1 protein function with a negative predictive value of 80%. In summary, the available evidence is currently insufficient to determine the role of this variant in disease. Therefore, it has been classified as a Variant of Uncertain Significance.

Ambry Genetics
Classification: Uncertain significance for Inborn genetic diseases. Last evaluated: 2024-08-10. Review status: criteria provided, single submitter. Criteria: Ambry Variant Classification Scheme 2023. Collection method: clinical testing. Allele origin: germline.